The following is an entry in ClinVar:

NM_004370.6(COL12A1):c.7950+5A>T

Gene: COL12A1 (collagen type XII alpha 1 chain; minus strand). Cytogenetic location: 6q13.
Variant type: single nucleotide variant.
Coding change: c.7950+5A>T on transcript NM_004370.6 (MANE Select); 5 bases into the intron after coding-DNA position 7950, A replaced by T.
Molecular consequence: intron variant.
Genome position (GRCh38, 1-based): chr6:75,113,199, T>A on the plus strand (A>T on the coding strand, the complement: COL12A1 is on the minus strand). VCF-style: chr6-75113199-T-A. GRCh37 (hg19) VCF-style: chr6-75822915-T-A.
Other names: c.4458+5A>T (NM_080645.3).
Identifiers: ClinVar variation 1469500 (VCV001469500.6), dbSNP rs771300269, ClinGen allele CA3892425.

ClinVar aggregate classification (germline): Uncertain significance (1 of 4 stars; one submission).

Conditions:
Ullrich congenital muscular dystrophy 2 (UCMD2). Identifiers: Orphanet 75840, MedGen C4225314, MONDO:0014654, OMIM 616470.
Bethlem myopathy 2 (BTHLM2). Identifiers: Orphanet 536516, Orphanet 610, MedGen C4225313, MONDO:0034022, OMIM 616471.

Allele frequency attached by ClinVar (database versions not stated): gnomAD exomes below 0.00001 and 0.00001; ExAC 0.00001.
gnomAD v4.1: 4 of 1,475,692 alleles (0.00027%); highest among the groups gnomAD compares: Non-Finnish European, 0.00027%; no homozygotes.

Submission:

Labcorp Genetics (formerly Invitae), Labcorp
Classification: Uncertain significance for Bethlem myopathy 2; Ullrich congenital muscular dystrophy 2. Last evaluated: 2025-09-30. Review status: criteria provided, single submitter. Criteria: Invitae Variant Classification Sherloc (09022015). Collection method: clinical testing. Allele origin: germline.
Comment: This sequence change falls in intron 51 of the COL12A1 gene. It does not directly change the encoded amino acid sequence of the COL12A1 protein. It affects a nucleotide within the consensus splice site. This variant is present in population databases (rs771300269, gnomAD 0.001%). This variant has not been reported in the literature in individuals affected with COL12A1-related conditions. ClinVar contains an entry for this variant (Variation ID: 1469500). Variants that disrupt the consensus splice site are a relatively common cause of aberrant splicing (PMID: 17576681, 9536098). Algorithms developed to predict the effect of sequence changes on RNA splicing suggest that this variant is not likely to affect RNA splicing. In summary, the available evidence is currently insufficient to determine the role of this variant in disease. Therefore, it has been classified as a Variant of Uncertain Significance.

Literature cited by the submitters: PubMed 17576681; PubMed 9536098.